The following is an entry in ClinVar:

NM_152564.5(VPS13B):c.8084del (p.Gly2695fs)

Gene: VPS13B (vacuolar protein sorting 13 homolog B; plus strand). Cytogenetic location: 8q22.2.
Variant type: Deletion.
Coding change: c.8084del on transcript NM_152564.5 (MANE Select); coding-DNA position 8084, one base deleted (G; older notation c.8084delG).
Protein change: p.Gly2695fs; shifts the reading frame from glycine 2695.
Molecular consequence: frameshift variant.
Genome position (GRCh38, 1-based): chr8:99,809,517, G deleted; the last of 2 consecutive G bases (chr8:99,809,516-99,809,517); deleting either gives the same sequence. VCF-style (leftmost placement, unchanged base first): chr8-99809515-TG-T. GRCh37 (hg19) VCF-style: chr8-100821743-TG-T.
Other names: c.8159del, p.Gly2720fs (NM_017890.5); short protein forms G2695fs, G2720fs.
Identifiers: ClinVar variation 4292538 (VCV004292538.1).
Genomic context (GRCh38, chr8:99,809,515, plus strand): 5'-TAGAACAATTCAGTACAGGGGTCGAACTGCTTCTCTCATCATCAAGGTTCAGCAACTCAA[TG>T]GAGTACAAAAACAGGTAAGTTTCTTTGTGTTCATGACCCAGACACCTCTTAATTATTCAG-3'

ClinVar aggregate classification (germline): Pathogenic (1 of 4 stars; one submission).

Conditions:
Cohen syndrome (COH1). Also called: PEPPER SYNDROME; Cutis verticis gyrata, retinitis pigmentosa, and sensorineural deafness. Identifiers: Orphanet 193, MedGen C0265223, MONDO:0008999, OMIM 216550.

Submission:

3billion
Classification: Pathogenic for Cohen syndrome. Last evaluated: 2024-08-30. Review status: criteria provided, single submitter. Criteria: ACMG Guidelines, 2015. Collection method: clinical testing. Allele origin: germline. Affected: yes.
Comment: The variant is not observed in the gnomAD v4.0.0 dataset. Predicted Consequence/Location: Frameshift: predicted to result in a loss or disruption of normal protein function through nonsense-mediated decay (NMD) or protein truncation. Multiple pathogenic variants are reported downstream of the variant. Therefore, this variant is classified as Pathogenic according to the recommendation of ACMG/AMP guideline.